The following is an entry in ClinVar:

NM_005269.3(GLI1):c.1418dup (p.Ser474fs)

Gene: GLI1 (GLI family zinc finger 1; plus strand). Cytogenetic location: 12q13.3.
Variant type: Duplication.
Coding change: c.1418dup on transcript NM_005269.3 (MANE Select); coding-DNA position 1418, one base duplicated (G; older notation c.1418dupG).
Protein change: p.Ser474fs; shifts the reading frame from serine 474.
Molecular consequence: frameshift variant.
Genome position (GRCh38, 1-based): chr12:57,469,540, G duplicated; the last of 5 consecutive G bases (chr12:57,469,536-57,469,540); duplicating any one gives the same sequence. VCF-style (leftmost placement, unchanged base first): chr12-57469535-A-AG. GRCh37 (hg19) VCF-style: chr12-57863318-A-AG.
Other names: c.1034dup, p.Ser346fs (NM_001160045.2); c.1295dup, p.Ser433fs (NM_001167609.2); short protein forms S346fs, S433fs, S474fs.
Identifiers: ClinVar variation 4850186 (VCV004850186.1).

ClinVar aggregate classification (germline): Likely pathogenic (1 of 4 stars; one submission).

Conditions:
Autosomal recessive GLI1-related disorders.

Submission:

Variantyx, Inc.
Classification: Likely pathogenic for Autosomal recessive GLI1-related disorders. Last evaluated: 2025-07-07. Review status: criteria provided, single submitter. Criteria: Variantyx Assertion Criteria 2022. Collection method: clinical testing. Allele origin: germline. Inheritance: Autosomal recessive inheritance. Affected: no.
Comment: This is a frameshift variant in the GLI1 gene (OMIM: 165220). Pathogenic variants in this gene have been associated with autosomal recessive GLI1-related disorders. This variant introduces a premature termination codon in exon 11 out of 12 and is expected to result in loss of function, which is a known disease mechanism for GLI1 in these disorders (PMID:28973407, 31549748, 35445092) (PVS1). This variant has a 0.0001% maximum allele frequency in non-founder control populations (PM2). This variant has not been reported in individuals with GLI1-related disorders in the databases available for review. Based on the current evidence, this variant is classified as likely pathogenic for autosomal recessive GLI1-related disorders. Emerging evidence suggests that single heterozygous pathogenic variants that result in loss of function are associated with isolated postaxial polydactyly (PMID:¬†31549748). The contribution of this single heterozygous variant to potential autosomal dominant disease is uncertain.

Literature cited by the submitters: PubMed 28973407; PubMed 1549748; PubMed 3544509.